The following is an entry in ClinVar:

ClinVar aggregate classification (germline): Uncertain significance. Review status: criteria provided, multiple submitters, no conflicts (2 of 4 stars). 2 submissions from 2 submitters: Uncertain significance (2). Last evaluated 2021-12-03.

Conditions:
Monocytopenia with susceptibility to infections. Also called: MONOCYTOPENIA AND MYCOBACTERIAL INFECTION SYNDROME; MONOCYTOPENIA WITH SUSCEPTIBILITY TO MYCOBACTERIAL, FUNGAL, AND PAPILLOMAVIRUS INFECTIONS AND MYELODYSPLASIA; COMBINED IMMUNODEFICIENCY WITH SUSCEPTIBILITY TO MYCOBACTERIAL, VIRAL, AND FUNGAL INFECTIONS; Dendritic cell, monocyte, B lymphocyte, and natural killer lymphocyte deficiency; IMMUNODEFICIENCY 21; GATA2 DEFICIENCY. Identifiers: Orphanet 228423, MedGen C3280030, MONDO:0013607, OMIM 614172.
Deafness-lymphedema-leukemia syndrome. Also called: Lymphedema, primary, with myelodysplasia; Emberger syndrome. Identifiers: Orphanet 3226, MedGen C3279664, MONDO:0013540, OMIM 614038.

Allele frequency attached by ClinVar (database versions not stated): gnomAD exomes below 0.00001.
gnomAD v4.1: 1 of 1,612,802 alleles (0.000062%); highest among the groups gnomAD compares: Non-Finnish European, 0.000085%; no homozygotes.

Submissions (2):

Labcorp Genetics (formerly Invitae), Labcorp
Classification: Uncertain significance for Monocytopenia with susceptibility to infections; Deafness-lymphedema-leukemia syndrome. Last evaluated: 2021-12-03. Review status: criteria provided, single submitter. Criteria: Invitae Variant Classification Sherloc (09022015). Collection method: clinical testing. Allele origin: germline.
Comment: ClinVar contains an entry for this variant (Variation ID: 472467). This sequence change falls in intron 3 of the GATA2 gene. It does not directly change the encoded amino acid sequence of the GATA2 protein. This variant is not present in population databases (gnomAD no frequency). This variant has not been reported in the literature in individuals affected with GATA2-related conditions. Algorithms developed to predict the effect of sequence changes on RNA splicing suggest that this variant may disrupt the consensus splice site. In summary, the available evidence is currently insufficient to determine the role of this variant in disease. Therefore, it has been classified as a Variant of Uncertain Significance.

Genetic Services Laboratory, University of Chicago
Classification: Uncertain significance. Last evaluated: 2017-12-13. Review status: criteria provided, single submitter. Criteria: ACMG Guidelines, 2015. Collection method: clinical testing. Allele origin: germline. Affected: no.

NM_032638.5(GATA2):c.872-5T>G

Gene: GATA2 (GATA binding protein 2; minus strand). Cytogenetic location: 3q21.3.
Variant type: single nucleotide variant.
Coding change: c.872-5T>G on transcript NM_032638.5 (MANE Select); 5 bases into the intron before coding-DNA position 872, T replaced by G.
Molecular consequence: intron variant.
Genome position (GRCh38, 1-based): chr3:128,484,010, A>C on the plus strand (T>G on the coding strand, the complement: GATA2 is on the minus strand). VCF-style: chr3-128484010-A-C. GRCh37 (hg19) VCF-style: chr3-128202853-A-C.
Other names: c.872-5T>G (NM_001145662.1, NM_001145661.2).
Identifiers: ClinVar variation 472467 (VCV000472467.10), dbSNP rs886038417, ClinGen allele CA658657336.
Genomic context (GRCh38, chr3:128,484,010, plus strand): 5'-GTCCCGCCGCCAGAGAGGGGTGGCTGTGGCCCCACAGTTGACACACTCCCGGCCTTCTGC[A>C]GGGGAACAGGGAGAGACACGGGGGCCTGCTTAACCGGCAAGTTCTCGGGAGGGAGTCCAG-3'